The following is an entry in ClinVar:

NM_001283009.2(RTEL1):c.3500-3C>T

Genes: RTEL1 (regulator of telomere elongation helicase 1; plus strand), RTEL1-TNFRSF6B (RTEL1-TNFRSF6B readthrough (NMD candidate); plus strand). Cytogenetic location: 20q13.33.
Variant type: single nucleotide variant.
Coding change: c.3500-3C>T on transcript NM_001283009.2 (MANE Select); 3 bases into the intron before coding-DNA position 3500, C replaced by T.
Molecular consequence: intron variant.
Genome position (GRCh38, 1-based): chr20:63,695,325, C>T. VCF-style: chr20-63695325-C-T. GRCh37 (hg19) VCF-style: chr20-62326678-C-T.
Other names: c.2831-3C>T (NM_001283010.1); c.3572-3C>T (NM_032957.5); c.3500-3C>T (NM_016434.4).
Identifiers: ClinVar variation 2936615 (VCV002936615.3), dbSNP rs2517202559, ClinGen allele CA2740094688.

ClinVar aggregate classification (germline): Uncertain significance (1 of 4 stars; one submission).

Conditions:
Dyskeratosis congenita, autosomal recessive 5 (DKCB5). Identifiers: MedGen C3554656, MONDO:0014076, OMIM 615190.
Pulmonary fibrosis and/or bone marrow failure, Telomere-related, 3. Also called: PULMONARY FIBROSIS AND/OR BONE MARROW FAILURE SYNDROME, TELOMERE-RELATED, 3. Identifiers: Orphanet 2032, MedGen C4225346, MONDO:0014613, OMIM 616373.

Submission:

Labcorp Genetics (formerly Invitae), Labcorp
Classification: Uncertain significance for Dyskeratosis congenita, autosomal recessive 5; Pulmonary fibrosis and/or bone marrow failure, Telomere-related, 3. Last evaluated: 2023-11-25. Review status: criteria provided, single submitter. Criteria: Invitae Variant Classification Sherloc (09022015). Collection method: clinical testing. Allele origin: germline.
Comment: This sequence change falls in intron 33 of the RTEL1 gene. It does not directly change the encoded amino acid sequence of the RTEL1 protein. It affects a nucleotide within the consensus splice site. This variant is not present in population databases (gnomAD no frequency). This variant has not been reported in the literature in individuals affected with RTEL1-related conditions. Variants that disrupt the consensus splice site are a relatively common cause of aberrant splicing (PMID: 17576681, 9536098). Algorithms developed to predict the effect of sequence changes on RNA splicing suggest that this variant is not likely to affect RNA splicing. In summary, the available evidence is currently insufficient to determine the role of this variant in disease. Therefore, it has been classified as a Variant of Uncertain Significance.

Literature cited by the submitters: PubMed 17576681; PubMed 9536098.